The following is an entry in ClinVar:

NM_213599.3(ANO5):c.211A>G (p.Ile71Val)

Gene: ANO5 (anoctamin 5; plus strand). Cytogenetic location: 11p14.3.
Variant type: single nucleotide variant.
Coding change: c.211A>G on transcript NM_213599.3 (MANE Select); coding-DNA position 211, A replaced by G.
Protein change: p.Ile71Val; replaces isoleucine 71 with valine.
Molecular consequence: missense variant.
Genome position (GRCh38, 1-based): chr11:22,221,127, A>G. VCF-style: chr11-22221127-A-G. GRCh37 (hg19) VCF-style: chr11-22242673-A-G.
Other names: c.208A>G, p.Ile70Val (NM_001142649.2); c.169A>G, p.Ile57Val (NM_001410963.1); c.166A>G, p.Ile56Val (NM_001410964.1); short protein forms I71V, I57V, I70V, I56V.
Identifiers: ClinVar variation 2930579 (VCV002930579.3), dbSNP rs1187547198, ClinGen allele CA379925230.

ClinVar aggregate classification (germline): Uncertain significance (1 of 4 stars; one submission).

Conditions:
Autosomal recessive limb-girdle muscular dystrophy type 2L (LGMDR12). Also called: Limb-Girdle Muscular Dystrophy R12 Anoctamin-5-Related (LGMD-R12); MUSCULAR DYSTROPHY, LIMB-GIRDLE, AUTOSOMAL RECESSIVE 12; Limb-girdle muscular dystrophy, type 2L. Identifiers: Orphanet 206549, MedGen C1969785, MONDO:0012652, OMIM 611307.
Gnathodiaphyseal dysplasia (GDD). Also called: GNATHODIAPHYSEAL SCLEROSIS; OSTEOGENESIS IMPERFECTA WITH UNUSUAL SKELETAL LESIONS. Identifiers: Orphanet 53697, MedGen C1833736, MONDO:0008151, OMIM 166260.

Allele frequency attached by ClinVar (database versions not stated): gnomAD exomes below 0.00001.
gnomAD v4.1: 5 of 1,611,758 alleles (0.00031%); highest among the groups gnomAD compares: South Asian, 0.0011%; no homozygotes.

Submission:

Labcorp Genetics (formerly Invitae), Labcorp
Classification: Uncertain significance for Autosomal recessive limb-girdle muscular dystrophy type 2L; Gnathodiaphyseal dysplasia. Last evaluated: 2024-02-27. Review status: criteria provided, single submitter. Criteria: Invitae Variant Classification Sherloc (09022015). Collection method: clinical testing. Allele origin: germline.
Comment: This sequence change replaces isoleucine, which is neutral and non-polar, with valine, which is neutral and non-polar, at codon 71 of the ANO5 protein (p.Ile71Val). This variant is present in population databases (no rsID available, gnomAD 0.006%). This variant has not been reported in the literature in individuals affected with ANO5-related conditions. Advanced modeling of protein sequence and biophysical properties (such as structural, functional, and spatial information, amino acid conservation, physicochemical variation, residue mobility, and thermodynamic stability) performed at Invitae indicates that this missense variant is not expected to disrupt ANO5 protein function with a negative predictive value of 95%. In summary, the available evidence is currently insufficient to determine the role of this variant in disease. Therefore, it has been classified as a Variant of Uncertain Significance.